The following is an entry in ClinVar:

NM_020822.3(KCNT1):c.1940C>T (p.Ala647Val)

Gene: KCNT1 (potassium sodium-activated channel subfamily T member 1; plus strand). Cytogenetic location: 9q34.3.
Variant type: single nucleotide variant.
Coding change: c.1940C>T on transcript NM_020822.3 (MANE Select); coding-DNA position 1940, C replaced by T.
Protein change: p.Ala647Val; replaces alanine 647 with valine.
Molecular consequence: missense variant.
Genome position (GRCh38, 1-based): chr9:135,771,027, C>T. VCF-style: chr9-135771027-C-T. GRCh37 (hg19) VCF-style: chr9-138662873-C-T.
Other names: c.1805C>T, p.Ala602Val (NM_001272003.2); short protein forms A602V, A647V.
Identifiers: ClinVar variation 1450630 (VCV001450630.6), dbSNP rs550751778, ClinGen allele CA5327111.

ClinVar aggregate classification (germline): Uncertain significance (1 of 4 stars; one submission).

Conditions:
Developmental and epileptic encephalopathy, 14 (DEE14). Also called: Early infantile epileptic encephalopathy 14. Identifiers: Orphanet 293181, MedGen C3554195, MONDO:0013989, OMIM 614959.
Autosomal dominant nocturnal frontal lobe epilepsy 5. Also called: KCNT1-Related Epilepsy; CILIARY DYSKINESIA, PRIMARY, 28, WITH SITUS INVERSUS; Epilepsy, nocturnal frontal lobe, 5; CILIARY DYSKINESIA, PRIMARY, 28, WITHOUT SITUS INVERSUS. Identifiers: Orphanet 98784, MedGen C3554306, MONDO:0014002, OMIM 615005.

Allele frequency attached by ClinVar (database versions not stated): gnomAD 0.00002 and 0.00003; 1000 Genomes Project 0.00020; 1000 Genomes Project 30x 0.00031; gnomAD exomes 0.00001; TOPMed 0.00001; ExAC 0.00002.
gnomAD v4.1: 18 of 1,613,446 alleles (0.0011%); highest among the groups gnomAD compares: East Asian, 0.0022%; no homozygotes.

Submission:

Labcorp Genetics (formerly Invitae), Labcorp
Classification: Uncertain significance for Autosomal dominant nocturnal frontal lobe epilepsy 5; Developmental and epileptic encephalopathy, 14. Last evaluated: 2023-08-17. Review status: criteria provided, single submitter. Criteria: Invitae Variant Classification Sherloc (09022015). Collection method: clinical testing. Allele origin: germline.
Comment: This variant is present in population databases (rs550751778, gnomAD 0.005%). In summary, the available evidence is currently insufficient to determine the role of this variant in disease. Therefore, it has been classified as a Variant of Uncertain Significance. Advanced modeling of protein sequence and biophysical properties (such as structural, functional, and spatial information, amino acid conservation, physicochemical variation, residue mobility, and thermodynamic stability) performed at Invitae indicates that this missense variant is not expected to disrupt KCNT1 protein function. ClinVar contains an entry for this variant (Variation ID: 1450630). This variant has not been reported in the literature in individuals affected with KCNT1-related conditions. This sequence change replaces alanine, which is neutral and non-polar, with valine, which is neutral and non-polar, at codon 647 of the KCNT1 protein (p.Ala647Val).